The following is an entry in ClinVar:

ClinVar aggregate classification (germline): Conflicting classifications of pathogenicity. Review status: criteria provided, conflicting classifications (1 of 4 stars). 3 submissions from 3 submitters: Uncertain significance (1); Likely benign (2). Last evaluated 2024-07-17.

Conditions:
Primary ciliary dyskinesia. Also called: Ciliary dyskinesia. Identifiers: Orphanet 244, MedGen C0008780, MONDO:0016575, HP:0012265.
Joubert syndrome. Also called: Familial aplasia of the vermis; JOUBERT-BOLTSHAUSER SYNDROME. Identifiers: Orphanet 475, MedGen C5979921, MONDO:0018772.
Orofaciodigital syndrome I (OFD1). Also called: Papillon-Leage and Psaume Syndrome; Oral-Facial-Digital Syndrome Type I; OFDS I. Identifiers: Orphanet 2750, MedGen C1510460, MONDO:0010702, OMIM 311200.

Allele frequency attached by ClinVar (database versions not stated): TOPMed below 0.00001; ExAC 0.00002; gnomAD 0.00002; gnomAD exomes 0.00004.
gnomAD v4.1: 44 of 1,199,180 alleles (0.0037%); highest among the groups gnomAD compares: Non-Finnish European, 0.0047%; no homozygotes.

Submissions (3):

Ambry Genetics
Classification: Likely benign for Primary ciliary dyskinesia. Last evaluated: 2024-07-17. Review status: criteria provided, single submitter. Criteria: Ambry Variant Classification Scheme 2023. Collection method: clinical testing. Allele origin: germline.

Labcorp Genetics (formerly Invitae), Labcorp
Classification: Uncertain significance for Orofaciodigital syndrome I; Joubert syndrome. Last evaluated: 2024-03-28. Review status: criteria provided, single submitter. Criteria: Invitae Variant Classification Sherloc (09022015). Collection method: clinical testing. Allele origin: germline.
Comment: This sequence change replaces asparagine, which is neutral and polar, with serine, which is neutral and polar, at codon 397 of the OFD1 protein (p.Asn397Ser). This variant is present in population databases (rs755523044, gnomAD 0.005%). This variant has not been reported in the literature in individuals affected with OFD1-related conditions. Advanced modeling of protein sequence and biophysical properties (such as structural, functional, and spatial information, amino acid conservation, physicochemical variation, residue mobility, and thermodynamic stability) performed at Invitae indicates that this missense variant is not expected to disrupt OFD1 protein function with a negative predictive value of 80%. In summary, the available evidence is currently insufficient to determine the role of this variant in disease. Therefore, it has been classified as a Variant of Uncertain Significance.

Blueprint Genetics
Classification: Likely benign. Last evaluated: 2022-08-22. Review status: criteria provided, single submitter. Criteria: ACMG Guidelines, 2015. Collection method: clinical testing. Allele origin: germline.

NM_003611.3(OFD1):c.1190A>G (p.Asn397Ser)

Gene: OFD1 (OFD1 centriole and centriolar satellite protein; plus strand). Cytogenetic location: Xp22.2.
Variant type: single nucleotide variant.
Coding change: c.1190A>G on transcript NM_003611.3 (MANE Select); coding-DNA position 1190, A replaced by G.
Protein change: p.Asn397Ser; replaces asparagine 397 with serine.
Molecular consequence: missense variant.
Genome position (GRCh38, 1-based): chrX:13,755,211, A>G. VCF-style: chrX-13755211-A-G. GRCh37 (hg19) VCF-style: chrX-13773330-A-G.
Other names: c.1070A>G, p.Asn357Ser (NM_001330209.2); c.770A>G, p.Asn257Ser (NM_001330210.2); c.1190A>G (NM_003611.2); short protein forms N257S, N397S, N357S.
Identifiers: ClinVar variation 2928338 (VCV002928338.5), dbSNP rs755523044, ClinGen allele CA10351776.